The following is an entry in ClinVar:

ClinVar aggregate classification (germline): Uncertain significance (1 of 4 stars; one submission).

Conditions:
Inborn genetic diseases. Identifiers: MedGen C0950123, MeSH D030342.

Submission:

Ambry Genetics
Classification: Uncertain significance for Inborn genetic diseases. Last evaluated: 2023-10-02. Review status: criteria provided, single submitter. Criteria: Ambry Variant Classification Scheme 2023. Collection method: clinical testing. Allele origin: germline.
Comment: The c.226G>C (p.G76R) alteration is located in exon 1 (coding exon 1) of the FBXW7 gene. This alteration results from a G to C substitution at nucleotide position 226, causing the glycine (G) at amino acid position 76 to be replaced by an arginine (R). This variant was not reported in population-based cohorts in the Genome Aggregation Database (gnomAD). This amino acid position is highly conserved in available vertebrate species. The in silico prediction for this alteration is inconclusive. Based on insufficient or conflicting evidence, the clinical significance of this alteration remains unclear.

NM_001349798.2(FBXW7):c.502-2381G>C

Gene: FBXW7 (F-box and WD repeat domain containing 7; minus strand). Cytogenetic location: 4q31.3.
Variant type: single nucleotide variant.
Coding change: c.502-2381G>C on transcript NM_001349798.2 (MANE Select); 2381 bases into the intron before coding-DNA position 502, G replaced by C.
Molecular consequence: intron variant. On other transcripts: missense variant (1).
Genome position (GRCh38, 1-based): chr4:152,352,505, C>G on the plus strand (G>C on the coding strand, the complement: FBXW7 is on the minus strand). VCF-style: chr4-152352505-C-G. GRCh37 (hg19) VCF-style: chr4-153273657-C-G.
Other names: c.226G>C, p.Gly76Arg (NM_018315.5); c.148-2381G>C (NM_001013415.2); c.502-2381G>C (NM_033632.3); short protein forms G76R.
Identifiers: ClinVar variation 2541777 (VCV002541777.3), dbSNP rs2126661115, ClinGen allele CA358616257.